The following is an entry in ClinVar:

NM_000944.5(PPP3CA):c.614A>C (p.Glu205Ala)

Gene: PPP3CA (protein phosphatase 3 catalytic subunit alpha; minus strand). Cytogenetic location: 4q24.
Variant type: single nucleotide variant.
Coding change: c.614A>C on transcript NM_000944.5 (MANE Select); coding-DNA position 614, A replaced by C.
Protein change: p.Glu205Ala; replaces glutamic acid 205 with alanine.
Molecular consequence: missense variant.
Genome position (GRCh38, 1-based): chr4:101,098,395, T>G on the plus strand (A>C on the coding strand, the complement: PPP3CA is on the minus strand). VCF-style: chr4-101098395-T-G. GRCh37 (hg19) VCF-style: chr4-102019552-T-G.
Other names: c.614A>C, p.Glu205Ala (NM_001130691.2, NM_001130692.2); short protein forms E205A.
Identifiers: ClinVar variation 3636756 (VCV003636756.2).

ClinVar aggregate classification (germline): Uncertain significance (1 of 4 stars; one submission).

gnomAD v4.1: 1 of 1,609,882 alleles (0.000062%); highest among the groups gnomAD compares: Non-Finnish European, 0.000085%; no homozygotes.

Submission:

Labcorp Genetics (formerly Invitae), Labcorp
Classification: Uncertain significance. Last evaluated: 2024-03-20. Review status: criteria provided, single submitter. Criteria: Invitae Variant Classification Sherloc (09022015). Collection method: clinical testing. Allele origin: germline.
Comment: This sequence change replaces glutamic acid, which is acidic and polar, with alanine, which is neutral and non-polar, at codon 205 of the PPP3CA protein (p.Glu205Ala). This variant is not present in population databases (gnomAD no frequency). This variant has not been reported in the literature in individuals affected with PPP3CA-related conditions. Advanced modeling of protein sequence and biophysical properties (such as structural, functional, and spatial information, amino acid conservation, physicochemical variation, residue mobility, and thermodynamic stability) has been performed at Invitae for this missense variant, however the output from this modeling did not meet the statistical confidence thresholds required to predict the impact of this variant on PPP3CA protein function. In summary, the available evidence is currently insufficient to determine the role of this variant in disease. Therefore, it has been classified as a Variant of Uncertain Significance.